The following is an entry in ClinVar:

NM_003659.4(AGPS):c.1244C>T (p.Pro415Leu)

Gene: AGPS (alkylglycerone phosphate synthase; plus strand). Cytogenetic location: 2q31.2.
Variant type: single nucleotide variant.
Coding change: c.1244C>T on transcript NM_003659.4 (MANE Select); coding-DNA position 1244, C replaced by T.
Protein change: p.Pro415Leu; replaces proline 415 with leucine.
Molecular consequence: missense variant.
Genome position (GRCh38, 1-based): chr2:177,493,158, C>T. VCF-style: chr2-177493158-C-T. GRCh37 (hg19) VCF-style: chr2-178357886-C-T.
Other names: short protein forms P415L.
Identifiers: ClinVar variation 892844 (VCV000892844.8), dbSNP rs144444120, ClinGen allele CA1980274.
Genomic context (GRCh38, chr2:177,493,158, plus strand): 5'-CTTCTTACTGTATTAAATTTGTATCACTTTTTTTTTTCTTTTTAAAACAGAGATGTGCTC[C>T]GGCATCTATTCGCCTCATGGACAACAAGCAGTTTCAGTTTGGTAAGTAAGGAGTGGTAAT-3'
Protein context (NP_003650.1, residues 405-425): LREIAKQRCA[Pro415Leu]ASIRLMDNKQ

ClinVar aggregate classification (germline): Uncertain significance. Review status: criteria provided, multiple submitters, no conflicts (2 of 4 stars). 3 submissions from 3 submitters: Uncertain significance (3). Last evaluated 2025-09-21.

Conditions:
Inborn genetic diseases. Identifiers: MedGen C0950123, MeSH D030342.
Rhizomelic chondrodysplasia punctata type 3 (RCDP3). Also called: Alkylglycerone Phosphate Synthase (AGPS) deficiency; ALKYLDIHYDROXYACETONEPHOSPHATE SYNTHASE DEFICIENCY. Identifiers: Orphanet 177, Orphanet 309803, MedGen C1838612, MONDO:0010823, OMIM 600121. Disease mechanism: loss of function.

Allele frequency attached by ClinVar (database versions not stated): gnomAD 0.00003; TOPMed 0.00003; ExAC 0.00005; gnomAD exomes 0.00005 and 0.00007; ESP Exome Variant Server 0.00008.
gnomAD v4.1: 83 of 1,612,952 alleles (0.0051%); highest among the groups gnomAD compares: Middle Eastern, 0.017%; no homozygotes.

Submissions (3):

Ambry Genetics
Classification: Uncertain significance for Inborn genetic diseases. Last evaluated: 2025-09-21. Review status: criteria provided, single submitter. Criteria: Ambry Variant Classification Scheme 2023. Collection method: clinical testing. Allele origin: germline.

Labcorp Genetics (formerly Invitae), Labcorp
Classification: Uncertain significance. Last evaluated: 2022-03-16. Review status: criteria provided, single submitter. Criteria: Invitae Variant Classification Sherloc (09022015). Collection method: clinical testing. Allele origin: germline.
Comment: This sequence change replaces proline, which is neutral and non-polar, with leucine, which is neutral and non-polar, at codon 415 of the AGPS protein (p.Pro415Leu). This variant is present in population databases (rs144444120, gnomAD 0.01%). This variant has not been reported in the literature in individuals affected with AGPS-related conditions. ClinVar contains an entry for this variant (Variation ID: 892844). Algorithms developed to predict the effect of missense changes on protein structure and function are either unavailable or do not agree on the potential impact of this missense change (SIFT: "Tolerated"; PolyPhen-2: "Possibly Damaging"; Align-GVGD: "Class C0"). In summary, the available evidence is currently insufficient to determine the role of this variant in disease. Therefore, it has been classified as a Variant of Uncertain Significance.

Illumina Laboratory Services, Illumina
Classification: Uncertain significance for Rhizomelic chondrodysplasia punctata type 3. Last evaluated: 2018-01-13. Review status: criteria provided, single submitter. Criteria: ICSL Variant Classification Criteria 13 December 2019. Collection method: clinical testing. Allele origin: germline.